The following is an entry in ClinVar:

ClinVar aggregate classification (germline): Uncertain significance (1 of 4 stars; one submission).

Conditions:
Catecholaminergic polymorphic ventricular tachycardia (CVPT). Also called: Catecholamine-induced polymorphic ventricular tachycardia. Identifiers: Orphanet 3286, MedGen C5574922, MONDO:0017990.

Allele frequency attached by ClinVar (database versions not stated): TOPMed below 0.00001.

Submission:

All of Us Research Program, National Institutes of Health
Classification: Uncertain significance for Catecholaminergic polymorphic ventricular tachycardia. Last evaluated: 2023-02-15. Review status: criteria provided, single submitter. Criteria: ACMG Guidelines, 2015. Collection method: clinical testing. Allele origin: germline. Inheritance: Autosomal dominant inheritance. Observed: 1 variant allele, 1 heterozygote.
Comment: This missense variant replaces lysine with arginine at codon 912 of the RYR2 protein. Computational prediction is inconclusive regarding the impact of this variant on protein structure and function (internally defined REVEL score threshold 0.5 < inconclusive < 0.7, PMID: 27666373). To our knowledge, functional studies have not been reported for this variant. This variant has not been reported in individuals affected with cardiovascular disorders in the literature. This variant has not been identified in the general population by the Genome Aggregation Database (gnomAD). The available evidence is insufficient to determine the role of this variant in disease conclusively. Therefore, this variant is classified as a Variant of Uncertain Significance.

This study involves interpretation of variants in research participants for the purpose of population health screening. Participant phenotype was not available at the time of variant classification. Additional details can be found in publication PMID: 35346344, PMCID: PMC8962531

NM_001035.3(RYR2):c.2735A>G (p.Lys912Arg)

Gene: RYR2 (ryanodine receptor 2; plus strand). Cytogenetic location: 1q43.
Variant type: single nucleotide variant.
Coding change: c.2735A>G on transcript NM_001035.3 (MANE Select); coding-DNA position 2735, A replaced by G.
Protein change: p.Lys912Arg; replaces lysine 912 with arginine.
Molecular consequence: missense variant.
Genome position (GRCh38, 1-based): chr1:237,511,704, A>G. VCF-style: chr1-237511704-A-G. GRCh37 (hg19) VCF-style: chr1-237675004-A-G.
Other names: short protein forms K912R.
Identifiers: ClinVar variation 3069215 (VCV003069215.1), dbSNP rs974730087, ClinGen allele CA39784377.